The following is an entry in ClinVar:

ClinVar aggregate classification (germline): Uncertain significance (1 of 4 stars; one submission).

Allele frequency attached by ClinVar (database versions not stated): gnomAD exomes below 0.00001.
gnomAD v4.1: 1 of 1,614,086 alleles (0.000062%); highest among the groups gnomAD compares: Admixed American, 0.0017%; no homozygotes.

Submission:

Labcorp Genetics (formerly Invitae), Labcorp
Classification: Uncertain significance. Last evaluated: 2021-07-08. Review status: criteria provided, single submitter. Criteria: Invitae Variant Classification Sherloc (09022015). Collection method: clinical testing. Allele origin: germline.
Comment: In summary, the available evidence is currently insufficient to determine the role of this variant in disease. Therefore, it has been classified as a Variant of Uncertain Significance. Algorithms developed to predict the effect of missense changes on protein structure and function are either unavailable or do not agree on the potential impact of this missense change (SIFT: "Tolerated"; PolyPhen-2: "Probably Damaging"; Align-GVGD: "Class C0"). This variant has not been reported in the literature in individuals affected with CCBE1-related conditions. This variant is not present in population databases (ExAC no frequency). This sequence change replaces proline with leucine at codon 223 of the CCBE1 protein (p.Pro223Leu). The proline residue is highly conserved and there is a moderate physicochemical difference between proline and leucine.

NM_133459.4(CCBE1):c.668C>T (p.Pro223Leu)

Gene: CCBE1 (collagen and calcium binding EGF domains 1; minus strand). Cytogenetic location: 18q21.32.
Variant type: single nucleotide variant.
Coding change: c.668C>T on transcript NM_133459.4 (MANE Select); coding-DNA position 668, C replaced by T.
Protein change: p.Pro223Leu; replaces proline 223 with leucine.
Molecular consequence: missense variant.
Genome position (GRCh38, 1-based): chr18:59,448,090, G>A on the plus strand (C>T on the coding strand, the complement: CCBE1 is on the minus strand). VCF-style: chr18-59448090-G-A. GRCh37 (hg19) VCF-style: chr18-57115322-G-A.
Other names: short protein forms P223L.
Identifiers: ClinVar variation 1366430 (VCV001366430.7), dbSNP rs1351639103, ClinGen allele CA402596156.